The following is an entry in ClinVar:

ClinVar aggregate classification (germline): Uncertain significance (1 of 4 stars; one submission).

Submission:

GeneDx
Classification: Uncertain significance. Last evaluated: 2025-03-24. Review status: criteria provided, single submitter. Criteria: GeneDx Variant Classification Process June 2021. Collection method: clinical testing. Allele origin: germline. Affected: yes.
Comment: Not observed at significant frequency in large population cohorts (gnomAD); Stop codon loss and change to a threonine codon, leading to protein extension and the addition of 65 amino acids at the C-terminus; Has not been previously published as pathogenic or benign to our knowledge

NM_014855.3(AP5Z1):c.2422_*17del (p.Ter808ThrextTer?)

Gene: AP5Z1 (adaptor related protein complex 5 subunit zeta 1; plus strand). Cytogenetic location: 7p22.1.
Variant type: Deletion.
Coding change: c.2422_*17del on transcript NM_014855.3 (MANE Select); coding-DNA position 2422 through 17 bases downstream of the stop codon, 20 bases deleted (TGAAGGGACAGTGGCCAGGG).
Protein change: p.Ter808ThrextTer?.
Molecular consequence: frameshift variant, stop lost. On other transcripts: non-coding transcript variant (1).
Genome position (GRCh38, 1-based): chr7:4,791,383-4,791,402, TGAAGGGACAGTGGCCAGGG deleted; deleting any 20 consecutive bases within chr7:4,791,376-4,791,402 gives the same sequence; the c. name uses the placement nearest the transcript's 3' end. VCF-style (leftmost placement, unchanged base first): chr7-4791375-TGCCAGGGTGAAGGGACAGTG-T. GRCh37 (hg19) VCF-style: chr7-4831006-TGCCAGGGTGAAGGGACAGTG-T.
Other names: c.1954_*17del, p.Ter652ThrextTer? (NM_001364858.1).
Identifiers: ClinVar variation 4087819 (VCV004087819.1).